The following is an entry in ClinVar:

ClinVar aggregate classification (germline): Pathogenic (1 of 4 stars; one submission).

Conditions:
Familial adenomatous polyposis 3. Also called: NTHL1-Related Adenomatous Polyposis and Colorectal Cancer; NTHL1 Tumor Syndrome; NTHL1-related attenuated familial adenomatous polyposis; NTHL1-associated polyposis. Identifiers: Orphanet 220460, Orphanet 454840, MedGen C4225157, MONDO:0014630, OMIM 616415.

Submission:

Myriad Genetics, Inc.
Classification: Pathogenic for Familial adenomatous polyposis 3. Last evaluated: 2023-09-05. Review status: criteria provided, single submitter. Criteria: Myriad Autosomal Dominant, Autosomal Recessive and X-Linked Classification Criteria (2023). Collection method: clinical testing. Allele origin: unknown.
Comment: This variant is considered pathogenic. This variant creates a termination codon and is predicted to result in premature protein truncation.

NM_002528.7(NTHL1):c.805G>T (p.Glu269Ter)

Gene: NTHL1 (nth like DNA glycosylase 1; minus strand). Cytogenetic location: 16p13.3.
Variant type: single nucleotide variant.
Coding change: c.805G>T on transcript NM_002528.7 (MANE Select); coding-DNA position 805, G replaced by T.
Protein change: p.Glu269Ter; replaces glutamic acid 269 with a stop codon.
Molecular consequence: nonsense.
Genome position (GRCh38, 1-based): chr16:2,040,034, C>A on the plus strand (G>T on the coding strand, the complement: NTHL1 is on the minus strand). VCF-style: chr16-2040034-C-A. GRCh37 (hg19) VCF-style: chr16-2090035-C-A.
Other names: c.634G>T, p.Glu212Ter (NM_001318193.2); c.475G>T, p.Glu159Ter (NM_001318194.2); short protein forms E159*, E212*, E269*.
Identifiers: ClinVar variation 2673807 (VCV002673807.1), dbSNP rs895744368, ClinGen allele CA394287541.
Genomic context (GRCh38, chr16:2,040,034, plus strand): 5'-AGCGAGGGTGCACAGGCAGACAGGTCTGCTGGCCGAAGCCCACCAAGAGTCCATTGATCT[C>A]GTGCCACAGCTCCCTGTGGGGGTGGGGGCTGGGTCAGTGCTGACAGAGGGCGGGCGGGGT-3'